The following is an entry in ClinVar:

ClinVar aggregate classification (germline): Uncertain significance. Review status: criteria provided, multiple submitters, no conflicts (2 of 4 stars). 2 submissions from 2 submitters: Uncertain significance (2). Last evaluated 2021-03-30.

Conditions:
Lethal multiple pterygium syndrome (LMPS). Identifiers: Orphanet 33108, MedGen C1854678, MONDO:0009668, OMIM 253290.
Myasthenic syndrome, congenital, 1B, fast-channel. Also called: Fast-Channel Congenital Myasthenia Syndrome. Identifiers: Orphanet 590, MedGen C4225405, MONDO:0012156, OMIM 608930.

Allele frequency attached by ClinVar (database versions not stated): gnomAD exomes below 0.00001; ExAC 0.00001.
gnomAD v4.1: 3 of 1,614,194 alleles (0.00019%); highest among the groups gnomAD compares: South Asian, 0.0033%; no homozygotes.

Submissions (2):

Labcorp Genetics (formerly Invitae), Labcorp
Classification: Uncertain significance for Lethal multiple pterygium syndrome. Last evaluated: 2021-03-30. Review status: criteria provided, single submitter. Criteria: Invitae Variant Classification Sherloc (09022015). Collection method: clinical testing. Allele origin: germline.
Comment: This variant has not been reported in the literature in individuals with CHRNA1-related conditions. Advanced modeling of protein sequence and biophysical properties (such as structural, functional, and spatial information, amino acid conservation, physicochemical variation, residue mobility, and thermodynamic stability) performed at Invitae indicates that this missense variant is not expected to disrupt CHRNA1 protein function. In summary, the available evidence is currently insufficient to determine the role of this variant in disease. Therefore, it has been classified as a Variant of Uncertain Significance. This variant is present in population databases (rs752761320, ExAC 0.006%). This sequence change replaces isoleucine with phenylalanine at codon 100 of the CHRNA1 protein (p.Ile100Phe). The isoleucine residue is moderately conserved and there is a small physicochemical difference between isoleucine and phenylalanine.

Neuberg Centre For Genomic Medicine, NCGM
Classification: Uncertain significance for Myasthenic syndrome, congenital, 1B, fast-channel. Review status: criteria provided, single submitter. Criteria: ACMG Guidelines, 2015. Collection method: clinical testing. Allele origin: germline. Inheritance: Autosomal recessive inheritance. Affected: yes.
Comment: The missense variant c.298A>T (p.Ile100Phe) in CHRNA1 gene has not been reported previously as a pathogenic variant nor as a benign variant, to our knowledge. This variant has been reported to the ClinVar database as Uncertain Significance. The p.Ile100Phe variant is novel (not in any individuals) in 1000 Genomes and allele frequency of 0.0003978% is reported in gnomAD. The amino acid Ile at position 100 is changed to a Phe changing protein sequence and it might alter its composition and physico-chemical properties. For these reasons, this variant has been classified as Uncertain Significance.

NM_000079.4(CHRNA1):c.298A>T (p.Ile100Phe)

Gene: CHRNA1 (cholinergic receptor nicotinic alpha 1 subunit; minus strand). Cytogenetic location: 2q31.1.
Variant type: single nucleotide variant.
Coding change: c.298A>T on transcript NM_000079.4 (MANE Select); coding-DNA position 298, A replaced by T.
Protein change: p.Ile100Phe; replaces isoleucine 100 with phenylalanine.
Molecular consequence: missense variant.
Genome position (GRCh38, 1-based): chr2:174,757,612, T>A on the plus strand (A>T on the coding strand, the complement: CHRNA1 is on the minus strand). VCF-style: chr2-174757612-T-A. GRCh37 (hg19) VCF-style: chr2-175622340-T-A.
Other names: c.373A>T, p.Ile125Phe (NM_001039523.3); short protein forms I100F, I125F.
Identifiers: ClinVar variation 1519500 (VCV001519500.7), dbSNP rs752761320, ClinGen allele CA1974596.
Genomic context (GRCh38, chr2:174,757,612, plus strand): 5'-TGCAGTTTGCTCACTTGTTATAGAGAACAAGGTCTGGGCGCCAGATCTTTTCTGAAGGAA[T>A]GTGAATTTTTTTCACACCGCCATAGTCATCTGGATTCCATTTTAGGTTGTAATCCACCCA-3'
Protein context (NP_000070.1, residues 90-110): DDYGGVKKIH[Ile100Phe]PSEKIWRPDL